The following is an entry in ClinVar:

ClinVar aggregate classification (germline): Benign/Likely benign. Review status: criteria provided, multiple submitters, no conflicts (2 of 4 stars). 30 submissions from 23 submitters: Benign (18); Likely benign (6). 6 of the submissions do not count toward it. Last evaluated 2026-09-01.

Conditions:
Cardiovascular phenotype. Identifiers: MedGen CN230736.
Autosomal recessive limb-girdle muscular dystrophy type 2J (LGMDR10). Also called: MUSCULAR DYSTROPHY, LIMB-GIRDLE, AUTOSOMAL RECESSIVE 10; Limb-girdle muscular dystrophy, type 2J. Identifiers: Orphanet 140922, MedGen C1837342, MONDO:0012127, OMIM 608807.
Dilated cardiomyopathy 1G (CMD1G). Identifiers: Orphanet 154, MedGen C1858763, MONDO:0011400, OMIM 604145.
Cardiomyopathy (CMYO). Also called: Cardiomyopathies. Identifiers: Orphanet 167848, MedGen C0878544, MONDO:0004994, HP:0001638. Inheritance: Various modes of inheritance.
Early-onset myopathy with fatal cardiomyopathy (CMYO5). Also called: CONGENITAL MYOPATHY 5 WITH CARDIOMYOPATHY; Salih Myopathy. Identifiers: Orphanet 289377, MedGen C2673677, MONDO:0012714, OMIM 611705. Disease mechanism: loss of function.
Myopathy, myofibrillar, 9, with early respiratory failure (MFM9). Also called: Myopathy, distal, with early respiratory failure, autosomal dominant; Hereditary myopathy with early respiratory failure; EDSTROM MYOPATHY; MYOPATHY, PROXIMAL, WITH EARLY RESPIRATORY MUSCLE INVOLVEMENT. Identifiers: Orphanet 178464, Orphanet 34521, MedGen C1863599, MONDO:0011362, OMIM 603689.
Tibial muscular dystrophy (TMD). Also called: Tibial muscular dystrophy, tardive; Udd Distal Myopathy – Tibial Muscular Dystrophy; UDD MYOPATHY. Identifiers: Orphanet 609, MedGen C1838244, MONDO:0010870, OMIM 600334.

Allele frequency attached by ClinVar (database versions not stated): 1000 Genomes Project 30x 0.00265; 1000 Genomes Project 0.00280; gnomAD exomes 0.00651 and 0.01050; gnomAD 0.00654 and 0.00643; TOPMed 0.00657; ExAC 0.00707; ESP Exome Variant Server 0.00896.
gnomAD v4.1: 16,199 of 1,613,330 alleles (1%); highest among the groups gnomAD compares: Non-Finnish European, 1.3%; 103 homozygotes.

Submissions (30):

CeGaT Center for Human Genetics Tuebingen
Classification: Benign. Last evaluated: 2026-09-01. Review status: criteria provided, single submitter. Criteria: CeGaT Center For Human Genetics Tuebingen Variant Classification Criteria Version 2. Collection method: clinical testing. Allele origin: germline. Affected: yes. Observed: 64 variant alleles.
Comment: TTN: BP4, BP7, BS1, BS2

Labcorp Genetics (formerly Invitae), Labcorp
Classification: Benign for Dilated cardiomyopathy 1G; Autosomal recessive limb-girdle muscular dystrophy type 2J. Last evaluated: 2026-02-04. Review status: criteria provided, single submitter. Criteria: Invitae Variant Classification Sherloc (09022015). Collection method: clinical testing. Allele origin: germline.

Molecular Diagnostic Laboratory for Inherited Cardiovascular Disease, Montreal Heart Institute
Classification: Benign. Last evaluated: 2025-04-09. Review status: criteria provided, single submitter. Criteria: ACMG Guidelines, 2015. Collection method: clinical testing. Allele origin: germline. Affected: no.

ARUP Laboratories, Molecular Genetics and Genomics, ARUP Laboratories
Classification: Benign. Last evaluated: 2024-11-21. Review status: criteria provided, single submitter. Criteria: ARUP Molecular Germline Variant Investigation Process 2024. Collection method: clinical testing. Allele origin: germline.

Blueprint Genetics
Classification: Likely benign. Last evaluated: 2024-11-21. Review status: criteria provided, single submitter. Criteria: ACMG Guidelines, 2015. Collection method: clinical testing. Allele origin: germline.

Genome-Nilou Lab
Classification: Benign for Autosomal recessive limb-girdle muscular dystrophy type 2J. Last evaluated: 2021-09-10. Review status: criteria provided, single submitter. Criteria: ACMG Guidelines, 2015. Collection method: clinical testing. Allele origin: germline. Affected: no.

Genome-Nilou Lab
Classification: Benign for Myopathy, myofibrillar, 9, with early respiratory failure. Last evaluated: 2021-09-10. Review status: criteria provided, single submitter. Criteria: ACMG Guidelines, 2015. Collection method: clinical testing. Allele origin: germline. Affected: no.

Genome-Nilou Lab
Classification: Benign for Early-onset myopathy with fatal cardiomyopathy. Last evaluated: 2021-09-10. Review status: criteria provided, single submitter. Criteria: ACMG Guidelines, 2015. Collection method: clinical testing. Allele origin: germline. Affected: no.

Genome-Nilou Lab
Classification: Benign for Tibial muscular dystrophy. Last evaluated: 2021-09-10. Review status: criteria provided, single submitter. Criteria: ACMG Guidelines, 2015. Collection method: clinical testing. Allele origin: germline. Affected: no.

Women's Health and Genetics/Laboratory Corporation of America, LabCorp
Classification: Benign. Last evaluated: 2019-08-27. Review status: criteria provided, single submitter. Criteria: LabCorp Variant Classification Summary - May 2015. Collection method: clinical testing. Allele origin: germline.

Athena Diagnostics
Classification: Benign. Last evaluated: 2019-07-31. Review status: criteria provided, single submitter. Criteria: Athena Diagnostics Criteria. Collection method: clinical testing. Allele origin: germline.

Mayo Clinic Laboratories, Mayo Clinic
Classification: Benign. Last evaluated: 2018-04-06. Review status: criteria provided, single submitter. Criteria: ACMG Guidelines, 2015. Collection method: clinical testing. Allele origin: germline. Observed: 42 variant alleles.

Illumina Laboratory Services, Illumina
Classification: Likely benign for Autosomal recessive limb-girdle muscular dystrophy type 2J. Last evaluated: 2018-01-13. Review status: criteria provided, single submitter. Criteria: ICSL Variant Classification Criteria 13 December 2019. Collection method: clinical testing. Allele origin: germline.
Comment: This variant was observed in the ICSL laboratory as part of a predisposition screen in an ostensibly healthy population. It had not been previously curated by ICSL or reported in the Human Gene Mutation Database (HGMD: prior to June 1st, 2018), and was therefore a candidate for classification through an automated scoring system. Utilizing variant allele frequency, disease prevalence and penetrance estimates, and inheritance mode, an automated score was calculated to assess if this variant is too frequent to cause the disease. Based on the score and internal cut-off values, a variant classified as likely benign is not then subjected to further curation. The score for this variant resulted in a classification of likely benign for this disease.

Illumina Laboratory Services, Illumina
Classification: Benign for Tibial muscular dystrophy. Last evaluated: 2018-01-13. Review status: criteria provided, single submitter. Criteria: ICSL Variant Classification Criteria 13 December 2019. Collection method: clinical testing. Allele origin: germline.
Comment: This variant was observed in the ICSL laboratory as part of a predisposition screen in an ostensibly healthy population. It had not been previously curated by ICSL or reported in the Human Gene Mutation Database (HGMD: prior to June 1st, 2018), and was therefore a candidate for classification through an automated scoring system. Utilizing variant allele frequency, disease prevalence and penetrance estimates, and inheritance mode, an automated score was calculated to assess if this variant is too frequent to cause the disease. Based on the score and internal cut-off values, a variant classified as benign is not then subjected to further curation. The score for this variant resulted in a classification of benign for this disease.

Illumina Laboratory Services, Illumina
Classification: Benign for Myopathy, myofibrillar, 9, with early respiratory failure. Last evaluated: 2018-01-13. Review status: criteria provided, single submitter. Criteria: ICSL Variant Classification Criteria 13 December 2019. Collection method: clinical testing. Allele origin: germline.
Comment: the same text as in the submission from Illumina Laboratory Services, Illumina above.

Illumina Laboratory Services, Illumina
Classification: Likely benign for Early-onset myopathy with fatal cardiomyopathy. Last evaluated: 2018-01-13. Review status: criteria provided, single submitter. Criteria: ICSL Variant Classification Criteria 13 December 2019. Collection method: clinical testing. Allele origin: germline.
Comment: the same text as in the submission from Illumina Laboratory Services, Illumina above.

Illumina Laboratory Services, Illumina
Classification: Likely benign for Dilated cardiomyopathy 1G. Last evaluated: 2018-01-13. Review status: criteria provided, single submitter. Criteria: ICSL Variant Classification Criteria 13 December 2019. Collection method: clinical testing. Allele origin: germline.
Comment: the same text as in the submission from Illumina Laboratory Services, Illumina above.

CHEO Genetics Diagnostic Laboratory, Children's Hospital of Eastern Ontario
Classification: Benign for Cardiomyopathy. Last evaluated: 2015-12-03. Review status: criteria provided, single submitter. Criteria: ACMG Guidelines, 2015. Collection method: clinical testing. Allele origin: germline. Study: Canadian Open Genetics Repository.

GeneDx
Classification: Benign. Last evaluated: 2013-11-07. Review status: criteria provided, single submitter. Criteria: GeneDx Variant Classification (06012015). Collection method: clinical testing. Allele origin: germline. Affected: yes.
Comment: This variant is considered likely benign or benign based on one or more of the following criteria: it is a conservative change, it occurs at a poorly conserved position in the protein, it is predicted to be benign by multiple in silico algorithms, and/or has population frequency not consistent with disease.

Ambry Genetics
Classification: Benign for Cardiovascular phenotype. Last evaluated: 2013-09-18. Review status: criteria provided, single submitter. Criteria: Ambry Autosomal Dominant and X-Linked criteria (10/2015). Collection method: clinical testing. Allele origin: germline. Observed: 1 variant allele.

Eurofins Ntd Llc (ga)
Classification: Benign. Last evaluated: 2013-03-12. Review status: criteria provided, single submitter. Criteria: EGL Classification Definitions 2015. Collection method: clinical testing. Allele origin: germline. Observed: 1 variant allele, 1 heterozygote.

Laboratory for Molecular Medicine, Mass General Brigham Personalized Medicine
Classification: Benign. Last evaluated: 2012-03-16. Review status: criteria provided, single submitter. Criteria: LMM Criteria. Collection method: clinical testing. Allele origin: germline. Observed: 34 variant alleles.
Comment: Lys6114Lys in exon 73 of TTN: This variant is not expected to have clinical sign ificance because it does not alter an amino acid residue, is not located within the splice consensus sequence, and has been identified in 1.1% (73/6702) of Euro pean American chromosomes from a broad population by the NHLBI Exome Sequencing Project (dbSNP rs34562585).

Breakthrough Genomics
Classification: Likely benign. Review status: criteria provided, single submitter. Criteria: ACMG Guidelines, 2015. Collection method: not provided. Allele origin: germline. Inheritance: Autosomal recessive inheritance. Affected: yes.

PreventionGenetics, part of Exact Sciences
Classification: Likely benign. Review status: criteria provided, single submitter. Criteria: ACMG Guidelines, 2015. Collection method: clinical testing. Allele origin: germline.

Clinical Genetics DNA and cytogenetics Diagnostics Lab, Erasmus MC, Erasmus Medical Center
Classification: Benign. Review status: no assertion criteria provided. Collection method: clinical testing. Allele origin: germline. Affected: yes. Study: VKGL Data-share Consensus. Not counted in ClinVar's aggregate classification.

Clinical Genetics, Academic Medical Center
Classification: Benign. Review status: no assertion criteria provided. Collection method: clinical testing. Allele origin: germline. Affected: yes. Study: VKGL Data-share Consensus. Not counted in ClinVar's aggregate classification.

Diagnostic Laboratory, Department of Genetics, University Medical Center Groningen
Classification: Likely benign. Review status: no assertion criteria provided. Collection method: clinical testing. Allele origin: germline. Affected: yes. Study: VKGL Data-share Consensus. Not counted in ClinVar's aggregate classification.

Genetic Services Laboratory, University of Chicago
Classification: Likely benign for AllHighlyPenetrant. Review status: no assertion criteria provided. Collection method: clinical testing. Allele origin: germline. Not counted in ClinVar's aggregate classification.
Comment: Likely benign based on allele frequency in 1000 Genomes Project or ESP global frequency and its presence in a patient with a rare or unrelated disease phenotype. NOT Sanger confirmed.

Joint Genome Diagnostic Labs from Nijmegen and Maastricht, Radboudumc and MUMC+
Classification: Benign. Review status: no assertion criteria provided. Collection method: clinical testing. Allele origin: germline. Affected: yes. Study: VKGL Data-share Consensus. Not counted in ClinVar's aggregate classification.

Laboratory of Diagnostic Genome Analysis, Leiden University Medical Center (LUMC)
Classification: Likely benign. Review status: no assertion criteria provided. Collection method: clinical testing. Allele origin: germline. Affected: yes. Study: VKGL Data-share Consensus. Not counted in ClinVar's aggregate classification.

NM_001267550.2(TTN):c.22074A>G (p.Lys7358=)

Gene: TTN (titin; minus strand). Cytogenetic location: 2q31.2.
Variant type: single nucleotide variant.
Coding change: c.22074A>G on transcript NM_001267550.2 (MANE Select); coding-DNA position 22074, A replaced by G.
Protein change: p.Lys7358=; no amino-acid change (lysine 7358 retained).
Molecular consequence: synonymous variant. On other transcripts: intron variant (3).
Genome position (GRCh38, 1-based): chr2:178,722,825, T>C on the plus strand (A>G on the coding strand, the complement: TTN is on the minus strand). VCF-style: chr2-178722825-T-C. GRCh37 (hg19) VCF-style: chr2-179587552-T-C.
Other names: p.K6114K:AAA>AAG; p.Lys6114=; c.21123A>G, p.Lys7041= (NM_001256850.1); c.18342A>G, p.Lys6114= (NM_133378.4); c.13282+15257A>G (NM_003319.4); c.13858+15257A>G (NM_133437.4); c.13657+15257A>G (NM_133432.3).
Identifiers: ClinVar variation 46693 (VCV000046693.86), dbSNP rs34562585, ClinGen allele CA282815.